The following is an entry in ClinVar:

NM_020376.4(PNPLA2):c.937G>A (p.Val313Met)

Gene: PNPLA2 (patatin like domain 2, triacylglycerol lipase; plus strand). Cytogenetic location: 11p15.5.
Variant type: single nucleotide variant.
Coding change: c.937G>A on transcript NM_020376.4 (MANE Select); coding-DNA position 937, G replaced by A.
Protein change: p.Val313Met; replaces valine 313 with methionine.
Molecular consequence: missense variant.
Genome position (GRCh38, 1-based): chr11:824,015, G>A. VCF-style: chr11-824015-G-A. GRCh37 (hg19) VCF-style: chr11-824015-G-A.
Other names: short protein forms V313M.
Identifiers: ClinVar variation 2124964 (VCV002124964.2), dbSNP rs1222759400, ClinGen allele CA378982187.

ClinVar aggregate classification (germline): Uncertain significance (1 of 4 stars; one submission).

Conditions:
Neutral lipid storage myopathy (NLSDM). Also called: NEUTRAL LIPID STORAGE DISEASE WITHOUT ICHTHYOSIS. Identifiers: Orphanet 98908, MedGen C1853136, MONDO:0012545, OMIM 610717.

Submission:

Labcorp Genetics (formerly Invitae), Labcorp
Classification: Uncertain significance for Neutral lipid storage myopathy. Last evaluated: 2022-04-11. Review status: criteria provided, single submitter. Criteria: Invitae Variant Classification Sherloc (09022015). Collection method: clinical testing. Allele origin: germline.
Comment: This sequence change replaces valine, which is neutral and non-polar, with methionine, which is neutral and non-polar, at codon 313 of the PNPLA2 protein (p.Val313Met). The frequency data for this variant in the population databases is considered unreliable, as metrics indicate poor data quality at this position in the gnomAD database. This variant has not been reported in the literature in individuals affected with PNPLA2-related conditions. Algorithms developed to predict the effect of missense changes on protein structure and function output the following: SIFT: "Tolerated"; PolyPhen-2: "Benign"; Align-GVGD: "Class C0". The methionine amino acid residue is found in multiple mammalian species, which suggests that this missense change does not adversely affect protein function. In summary, the available evidence is currently insufficient to determine the role of this variant in disease. Therefore, it has been classified as a Variant of Uncertain Significance.